The following is an entry in ClinVar:

ClinVar aggregate classification (germline): Uncertain significance. Review status: criteria provided, single submitter (1 of 4 stars). 2 submissions from 2 submitters: Uncertain significance (1). 1 of the submissions does not count toward it. Last evaluated 2025-08-25.

Conditions:
Inborn genetic diseases. Identifiers: MedGen C0950123, MeSH D030342.
Fanconi anemia (FA). Also called: Fanconi's anemia. Identifiers: Orphanet 84, MedGen C0015625, MeSH D005199, MONDO:0019391.

gnomAD v4.1: 1 of 1,613,888 alleles (0.000062%); highest among the groups gnomAD compares: Non-Finnish European, 0.000085%; no homozygotes.

Submissions (2):

Ambry Genetics
Classification: Uncertain significance for Inborn genetic diseases. Last evaluated: 2025-08-25. Review status: criteria provided, single submitter. Criteria: Ambry Variant Classification Scheme 2023. Collection method: clinical testing. Allele origin: germline.
Comment: The p.A958T variant (also known as c.2872G>A), located in coding exon 30 of the FANCA gene, results from a G to A substitution at nucleotide position 2872. The alanine at codon 958 is replaced by threonine, an amino acid with similar properties. This amino acid position is conserved. In addition, the in silico prediction for this alteration is inconclusive. Based on the available evidence, the clinical significance of this variant remains unclear.

Natera, Inc.
Classification: Uncertain significance for Fanconi anemia. Last evaluated: 2025-01-27. Review status: no assertion criteria provided. Collection method: clinical testing. Allele origin: germline. Not counted in ClinVar's aggregate classification.

NM_000135.4(FANCA):c.2872G>A (p.Ala958Thr)

Gene: FANCA (FA complementation group A; minus strand). Cytogenetic location: 16q24.3.
Variant type: single nucleotide variant.
Coding change: c.2872G>A on transcript NM_000135.4 (MANE Select); coding-DNA position 2872, G replaced by A.
Protein change: p.Ala958Thr; replaces alanine 958 with threonine.
Molecular consequence: missense variant.
Genome position (GRCh38, 1-based): chr16:89,758,686, C>T on the plus strand (G>A on the coding strand, the complement: FANCA is on the minus strand). VCF-style: chr16-89758686-C-T. GRCh37 (hg19) VCF-style: chr16-89825094-C-T.
Other names: c.2872G>A, p.Ala958Thr (NM_001286167.3); short protein forms A958T.
Identifiers: ClinVar variation 4068009 (VCV004068009.2).